The following is an entry in ClinVar:

NM_007294.4(BRCA1):c.4618G>C (p.Glu1540Gln)

Gene: BRCA1 (BRCA1 DNA repair associated; minus strand). Cytogenetic location: 17q21.31.
Variant type: single nucleotide variant.
Coding change: c.4618G>C on transcript NM_007294.4 (MANE Select); coding-DNA position 4618, G replaced by C.
Protein change: p.Glu1540Gln; replaces glutamic acid 1540 with glutamine.
Molecular consequence: missense variant. On other transcripts: non-coding transcript variant (1).
Genome position (GRCh38, 1-based): chr17:43,074,388, C>G on the plus strand (G>C on the coding strand, the complement: BRCA1 is on the minus strand). VCF-style: chr17-43074388-C-G. GRCh37 (hg19) VCF-style: chr17-41226405-C-G.
Other names: c.1174G>C, p.Glu392Gln (NM_001408451.1); c.1168G>C, p.Glu390Gln (NM_001408452.1, NM_001408453.1, NM_001408454.1 and 3 more transcripts); c.1165G>C, p.Glu389Gln (NM_001408458.1, NM_001408459.1, NM_001408460.1 and 7 more transcripts); c.1162G>C, p.Glu388Gln (NM_001408468.1, NM_001408469.1, NM_001408470.1); c.1306G>C, p.Glu436Gln (NM_001408472.1, NM_007298.4, NM_007299.4 and 13 more transcripts); c.1303G>C, p.Glu435Gln (NM_001408473.1, NM_001408392.1, NM_001408396.1 and 8 more transcripts); c.1108G>C, p.Glu370Gln (NM_001408474.1); c.1105G>C, p.Glu369Gln (NM_001408475.1, NM_001408476.1); and 68 more; short protein forms E1493Q, E1540Q, E1561Q, E436Q, E1244Q, E1411Q, E1429Q, E1452Q.
Identifiers: ClinVar variation 825047 (VCV000825047.16), dbSNP rs80357277, ClinGen allele CA10592275.
Genomic context (GRCh38, chr17:43,074,388, plus strand): 5'-TACCTAGATCTTGCCTTGGCAAGTAAGATGTTTCCGTCAAATCGTGTGGCCCAGACTCTT[C>G]CAGCTGTTGCTCCTCCACATCAACAACCTTAATGAGCTCCTCTTGAGATGGGTAGTTTCT-3'
Protein context (NP_009225.1, residues 1530-1550): KVVDVEEQQL[Glu1540Gln]ESGPHDLTET

ClinVar aggregate classification (germline): Uncertain significance. Review status: criteria provided, multiple submitters, no conflicts (2 of 4 stars). 3 submissions from 3 submitters: Uncertain significance (3). Last evaluated 2024-02-13.

Conditions:
Hereditary cancer-predisposing syndrome. Also called: Neoplastic Syndromes, Hereditary; Tumor predisposition; Hereditary neoplastic syndrome; Hereditary Cancer Syndrome. Identifiers: Orphanet 140162, MedGen C0027672, MeSH D009386, MONDO:0015356.
Hereditary breast ovarian cancer syndrome. Also called: Hereditary breast and ovarian cancer syndrome; Hereditary breast and ovarian cancer; Hereditary breast and ovarian cancer syndrome (HBOC); Breast and ovarian cancer; Hereditary breast and/or ovarian cancer syndrome; BRCA1- and BRCA2-Associated Hereditary Breast and Ovarian Cancer. Identifiers: Orphanet 145, MedGen C0677776, MeSH D061325, MONDO:0003582. Disease mechanism: loss of function.

Allele frequency attached by ClinVar (database versions not stated): gnomAD exomes below 0.00001.
gnomAD v4.1: 1 of 1,614,134 alleles (0.000062%); highest among the groups gnomAD compares: Non-Finnish European, 0.000085%; no homozygotes.

Submissions (3):

Labcorp Genetics (formerly Invitae), Labcorp
Classification: Uncertain significance for Hereditary breast ovarian cancer syndrome. Last evaluated: 2024-02-13. Review status: criteria provided, single submitter. Criteria: Invitae Variant Classification Sherloc (09022015). Collection method: clinical testing. Allele origin: germline.
Comment: This sequence change replaces glutamic acid, which is acidic and polar, with glutamine, which is neutral and polar, at codon 1540 of the BRCA1 protein (p.Glu1540Gln). This variant is not present in population databases (gnomAD no frequency). This variant has not been reported in the literature in individuals affected with BRCA1-related conditions. ClinVar contains an entry for this variant (Variation ID: 825047). Advanced modeling of protein sequence and biophysical properties (such as structural, functional, and spatial information, amino acid conservation, physicochemical variation, residue mobility, and thermodynamic stability) performed at Invitae indicates that this missense variant is not expected to disrupt BRCA1 protein function with a negative predictive value of 95%. In summary, the available evidence is currently insufficient to determine the role of this variant in disease. Therefore, it has been classified as a Variant of Uncertain Significance.

Ambry Genetics
Classification: Uncertain significance for Hereditary cancer-predisposing syndrome. Last evaluated: 2022-12-05. Review status: criteria provided, single submitter. Criteria: Ambry Variant Classification Scheme 2023. Collection method: clinical testing. Allele origin: germline.
Comment: The p.E1540Q variant (also known as c.4618G>C), located in coding exon 13 of the BRCA1 gene, results from a G to C substitution at nucleotide position 4618. The glutamic acid at codon 1540 is replaced by glutamine, an amino acid with highly similar properties. This amino acid position is poorly conserved in available vertebrate species. In addition, the in silico prediction for this alteration is inconclusive. Since supporting evidence is limited at this time, the clinical significance of this alteration remains unclear.

Color Diagnostics, LLC DBA Color Health
Classification: Uncertain significance for Hereditary cancer-predisposing syndrome. Last evaluated: 2019-12-11. Review status: criteria provided, single submitter. Criteria: ACMG Guidelines, 2015. Collection method: clinical testing. Allele origin: germline.
Comment: This missense variant replaces glutamic acid with glutamine at codon 1540 of the BRCA1 protein. Computational prediction is inconclusive regarding the impact of this variant on protein structure and function (internally defined REVEL score threshold 0.5 < inconclusive < 0.7, PMID: 27666373). Splice site prediction tools suggest that this variant may not impact RNA splicing. To our knowledge, functional studies have not been performed for this variant. This variant has not been reported in individuals affected with hereditary cancer in the literature. This variant has not been identified in the general population by the Genome Aggregation Database (gnomAD). The available evidence is insufficient to determine the role of this variant in disease conclusively. Therefore, this variant is classified as a Variant of Uncertain Significance.